The following is an entry in ClinVar:

NM_181507.2(HPS5):c.822C>A (p.Leu274=)

Gene: HPS5 (HPS5 biogenesis of lysosomal organelles complex 2 subunit 2; minus strand). Cytogenetic location: 11p15.1.
Variant type: single nucleotide variant.
Coding change: c.822C>A on transcript NM_181507.2 (MANE Select); coding-DNA position 822, C replaced by A.
Protein change: p.Leu274=; no amino-acid change (leucine 274 retained).
Molecular consequence: synonymous variant.
Genome position (GRCh38, 1-based): chr11:18,306,137, G>T on the plus strand (C>A on the coding strand, the complement: HPS5 is on the minus strand). VCF-style: chr11-18306137-G-T. GRCh37 (hg19) VCF-style: chr11-18327684-G-T.
Other names: p.Leu274=; c.480C>A, p.Leu160= (NM_007216.4, NM_181508.2).
Identifiers: ClinVar variation 163678 (VCV000163678.24), dbSNP rs1140047, ClinGen allele CA176334.

ClinVar aggregate classification (germline): Benign/Likely benign. Review status: criteria provided, multiple submitters, no conflicts (2 of 4 stars). 10 submissions from 10 submitters: Benign (9); Likely benign (1). Last evaluated 2026-02-04.

Conditions:
Hermansky-Pudlak syndrome 5 (HPS5). Identifiers: Orphanet 231512, Orphanet 79430, MedGen C3888004, MONDO:0013557, OMIM 614074.

Allele frequency attached by ClinVar (database versions not stated): ESP Exome Variant Server 0.71226; gnomAD exomes 0.71300 and 0.73185; gnomAD 0.72384 and 0.72689; ExAC 0.72896; TOPMed 0.73251; 1000 Genomes Project 30x 0.79888; 1000 Genomes Project 0.80471.
gnomAD v4.1: 1,141,082 of 1,597,472 alleles (71%); highest among the groups gnomAD compares: East Asian, 96%; 410,799 homozygotes.

Submissions (10):

Labcorp Genetics (formerly Invitae), Labcorp
Classification: Benign. Last evaluated: 2026-02-04. Review status: criteria provided, single submitter. Criteria: Invitae Variant Classification Sherloc (09022015). Collection method: clinical testing. Allele origin: germline.

Women's Health and Genetics/Laboratory Corporation of America, LabCorp
Classification: Benign. Last evaluated: 2025-02-09. Review status: criteria provided, single submitter. Criteria: LabCorp Variant Classification Summary - May 2015. Collection method: clinical testing. Allele origin: germline.

Blueprint Genetics
Classification: Likely benign. Last evaluated: 2024-11-27. Review status: criteria provided, single submitter. Criteria: ACMG Guidelines, 2015. Collection method: clinical testing. Allele origin: germline.

Mayo Clinic Laboratories, Mayo Clinic
Classification: Benign. Last evaluated: 2022-09-29. Review status: criteria provided, single submitter. Criteria: ACMG Guidelines, 2015. Collection method: clinical testing. Allele origin: germline. Observed: 440 variant alleles.

Genome-Nilou Lab
Classification: Benign for Hermansky-Pudlak syndrome 5. Last evaluated: 2021-08-10. Review status: criteria provided, single submitter. Criteria: ACMG Guidelines, 2015. Collection method: clinical testing. Allele origin: germline. Affected: no.

GeneDx
Classification: Benign. Last evaluated: 2018-11-12. Review status: criteria provided, single submitter. Criteria: GeneDx Variant Classification Process June 2021. Collection method: clinical testing. Allele origin: germline. Affected: yes.

Illumina Laboratory Services, Illumina
Classification: Benign for Hermansky-Pudlak syndrome 5. Last evaluated: 2018-01-13. Review status: criteria provided, single submitter. Criteria: ICSL Variant Classification Criteria 13 December 2019. Collection method: clinical testing. Allele origin: germline.
Comment: This variant was observed in the ICSL laboratory as part of a predisposition screen in an ostensibly healthy population. It had not been previously curated by ICSL or reported in the Human Gene Mutation Database (HGMD: prior to June 1st, 2018), and was therefore a candidate for classification through an automated scoring system. Utilizing variant allele frequency, disease prevalence and penetrance estimates, and inheritance mode, an automated score was calculated to assess if this variant is too frequent to cause the disease. Based on the score and internal cut-off values, a variant classified as benign is not then subjected to further curation. The score for this variant resulted in a classification of benign for this disease.

Laboratory for Molecular Medicine, Mass General Brigham Personalized Medicine
Classification: Benign. Last evaluated: 2013-06-11. Review status: criteria provided, single submitter. Criteria: LMM Criteria. Collection method: clinical testing. Allele origin: germline. Observed: 70 variant alleles.

Breakthrough Genomics
Classification: Benign. Review status: criteria provided, single submitter. Criteria: ACMG Guidelines, 2015. Collection method: not provided. Allele origin: germline. Inheritance: Autosomal recessive inheritance. Affected: yes.

PreventionGenetics, part of Exact Sciences
Classification: Benign. Review status: criteria provided, single submitter. Criteria: ACMG Guidelines, 2015. Collection method: clinical testing. Allele origin: germline.